The following is an entry in ClinVar:

ClinVar aggregate classification (germline): Conflicting classifications of pathogenicity. Review status: criteria provided, conflicting classifications (1 of 4 stars). 10 submissions from 10 submitters: Uncertain significance (1); Benign (8); Likely benign (1). Last evaluated 2026-09-01.

Conditions:
Myopathy, centronuclear, 2 (CNM2). Also called: MYOTUBULAR MYOPATHY, AUTOSOMAL RECESSIVE. Identifiers: Orphanet 169186, MedGen CN031787, MONDO:0009709, OMIM 255200.

Allele frequency attached by ClinVar (database versions not stated): 1000 Genomes Project 30x 0.00281; 1000 Genomes Project 0.00300; TOPMed 0.00710; gnomAD 0.00804 and 0.00841; ESP Exome Variant Server 0.00869; gnomAD exomes 0.00925 and 0.01102; ExAC 0.01122.
gnomAD v4.1: 17,190 of 1,614,222 alleles (1.1%); highest among the groups gnomAD compares: Non-Finnish European, 1.3%; 136 homozygotes.

Submissions (10):

CeGaT Center for Human Genetics Tuebingen
Classification: Benign. Last evaluated: 2026-09-01. Review status: criteria provided, single submitter. Criteria: CeGaT Center For Human Genetics Tuebingen Variant Classification Criteria Version 2. Collection method: clinical testing. Allele origin: germline. Affected: yes. Observed: 32 variant alleles.
Comment: BIN1: BS1, BS2

Labcorp Genetics (formerly Invitae), Labcorp
Classification: Benign for Myopathy, centronuclear, 2. Last evaluated: 2026-02-01. Review status: criteria provided, single submitter. Criteria: Invitae Variant Classification Sherloc (09022015). Collection method: clinical testing. Allele origin: germline.

Blueprint Genetics
Classification: Likely benign. Last evaluated: 2024-11-24. Review status: criteria provided, single submitter. Criteria: ACMG Guidelines, 2015. Collection method: clinical testing. Allele origin: germline.

Athena Diagnostics
Classification: Benign. Last evaluated: 2020-08-12. Review status: criteria provided, single submitter. Criteria: Athena Diagnostics Criteria. Collection method: clinical testing. Allele origin: unknown.

Mayo Clinic Laboratories, Mayo Clinic
Classification: Benign. Last evaluated: 2018-10-26. Review status: criteria provided, single submitter. Criteria: ACMG Guidelines, 2015. Collection method: clinical testing. Allele origin: germline. Observed: 17 variant alleles.

Eurofins Ntd Llc (ga)
Classification: Benign. Last evaluated: 2018-05-10. Review status: criteria provided, single submitter. Criteria: EGL ClinVar v180209 classification definitions. Collection method: clinical testing. Allele origin: germline. Observed: 1 variant allele, 1 heterozygote.

GeneDx
Classification: Benign. Last evaluated: 2018-02-01. Review status: criteria provided, single submitter. Criteria: GeneDx Variant Classification (06012015). Collection method: clinical testing. Allele origin: germline. Affected: yes.
Comment: This variant is considered likely benign or benign based on one or more of the following criteria: it is a conservative change, it occurs at a poorly conserved position in the protein, it is predicted to be benign by multiple in silico algorithms, and/or has population frequency not consistent with disease.

Illumina Laboratory Services, Illumina
Classification: Uncertain significance for Myopathy, centronuclear, 2. Last evaluated: 2017-04-27. Review status: criteria provided, single submitter. Criteria: ICSL Variant Classification Criteria 13 December 2019. Collection method: clinical testing. Allele origin: germline.
Comment: This variant was observed as part of a predisposition screen in an ostensibly healthy population. A literature search was performed for the gene, cDNA change, and amino acid change (where applicable). Publications were found based on this search. However, the evidence from the literature, in combination with allele frequency data from public databases where available, was not sufficient to rule this variant in or out of causing disease. Therefore, this variant is classified as a variant of unknown significance.

Genetic Services Laboratory, University of Chicago
Classification: Benign. Last evaluated: 2013-02-08. Review status: criteria provided, single submitter. Criteria: ACMG Guidelines, 2007. Collection method: clinical testing. Allele origin: germline. Inheritance: Autosomal recessive inheritance.

PreventionGenetics, part of Exact Sciences
Classification: Benign. Review status: criteria provided, single submitter. Criteria: ACMG Guidelines, 2015. Collection method: clinical testing. Allele origin: germline.

Literature cited by the submitters: PubMed 26101835 (cited by Athena Diagnostics and Illumina Laboratory Services, Illumina); PubMed 22912834 (cited by Athena Diagnostics and Illumina Laboratory Services, Illumina); PubMed 28687524 (cited by Athena Diagnostics); PubMed 31127772 (cited by Athena Diagnostics).

NM_139343.3(BIN1):c.1625A>G (p.Lys542Arg)

Gene: BIN1 (bridging integrator 1; minus strand). Cytogenetic location: 2q14.3.
Variant type: single nucleotide variant.
Coding change: c.1625A>G on transcript NM_139343.3 (MANE Select); coding-DNA position 1625, A replaced by G.
Protein change: p.Lys542Arg; replaces lysine 542 with arginine.
Molecular consequence: missense variant.
Genome position (GRCh38, 1-based): chr2:127,050,470, T>C on the plus strand (A>G on the coding strand, the complement: BIN1 is on the minus strand). VCF-style: chr2-127050470-T-C. GRCh37 (hg19) VCF-style: chr2-127808046-T-C.
Other names: p.Lys542Arg; c.1118A>G, p.Lys373Arg (NM_001320632.2); c.1256A>G, p.Lys419Arg (NM_001320633.2); c.1001A>G, p.Lys334Arg (NM_001320634.1); c.1385A>G, p.Lys462Arg (NM_001320640.2); c.1532A>G, p.Lys511Arg (NM_001320641.2); c.1544A>G, p.Lys515Arg (NM_001320642.1); c.1208A>G, p.Lys403Arg (NM_004305.4); and 8 more; short protein forms K542R, K419R, K499R, K334R, K388R, K431R, K455R, K511R.
Identifiers: ClinVar variation 158011 (VCV000158011.57), dbSNP rs138047593, ClinGen allele CA171393.